The following is an entry in ClinVar:

NM_001267550.2(TTN):c.91419del (p.Phe30473fs)

Genes: TTN (titin; minus strand), TTN-AS1 (TTN antisense RNA 1; plus strand). Cytogenetic location: 2q31.2.
Variant type: Deletion.
Coding change: c.91419del on transcript NM_001267550.2 (MANE Select); coding-DNA position 91419, one base deleted (T; older notation c.91419delT).
Protein change: p.Phe30473fs; shifts the reading frame from phenylalanine 30473.
Molecular consequence: frameshift variant.
Genome position (GRCh38, 1-based): chr2:178,551,112, A deleted on the plus strand (T on the coding strand, the reverse complement: TTN is on the minus strand); the first of 3 consecutive A bases (chr2:178,551,112-178,551,114); deleting any one gives the same sequence. VCF-style (leftmost placement, unchanged base first): chr2-178551111-TA-T. GRCh37 (hg19) VCF-style: chr2-179415838-TA-T.
Other names: p.Phe28832Leufs*24; c.86496del, p.Phe28832fs (NM_001256850.1); c.64224del, p.Phe21408fs (NM_003319.4); c.83715del, p.Phe27905fs (NM_133378.4); c.64599del, p.Phe21533fs (NM_133432.3); c.64800del, p.Phe21600fs (NM_133437.4); short protein forms F21408fs, F21533fs, F21600fs, F27905fs, F28832fs, F30473fs.
Identifiers: ClinVar variation 3380956 (VCV003380956.1).

ClinVar aggregate classification (germline): Likely pathogenic (1 of 4 stars; one submission).

Submission:

Mayo Clinic Laboratories, Mayo Clinic
Classification: Likely pathogenic. Last evaluated: 2024-05-14. Review status: criteria provided, single submitter. Criteria: ACMG Guidelines, 2015. Collection method: clinical testing. Allele origin: germline. Observed: 1 variant allele.
Comment: PM2, PVS1